The following is an entry in ClinVar:

ClinVar aggregate classification (germline): Uncertain significance (1 of 4 stars; one submission).

Submission:

Ambry Genetics
Classification: Uncertain significance. Last evaluated: 2022-06-27. Review status: criteria provided, single submitter. Criteria: Ambry Variant Classification Scheme 2023. Collection method: clinical testing. Allele origin: germline.
Comment: The p.Q409R variant (also known as c.1226A>G), located in coding exon 12 of the PRKDC gene, results from an A to G substitution at nucleotide position 1226. The glutamine at codon 409 is replaced by arginine, an amino acid with highly similar properties. This amino acid position is conserved. In addition, the in silico prediction for this alteration is inconclusive. Since supporting evidence is limited at this time, the clinical significance of this alteration remains unclear.

NM_006904.7(PRKDC):c.1226A>G (p.Gln409Arg)

Gene: PRKDC (protein kinase, DNA-activated, catalytic subunit; minus strand). Cytogenetic location: 8q11.21.
Variant type: single nucleotide variant.
Coding change: c.1226A>G on transcript NM_006904.7 (MANE Select); coding-DNA position 1226, A replaced by G.
Protein change: p.Gln409Arg; replaces glutamine 409 with arginine.
Molecular consequence: missense variant.
Genome position (GRCh38, 1-based): chr8:47,936,405, T>C on the plus strand (A>G on the coding strand, the complement: PRKDC is on the minus strand). VCF-style: chr8-47936405-T-C. GRCh37 (hg19) VCF-style: chr8-48848965-T-C.
Other names: c.1226A>G, p.Gln409Arg (NM_001081640.2); short protein forms Q409R.
Identifiers: ClinVar variation 1754260 (VCV001754260.2), dbSNP rs2551879721, ClinGen allele CA371166151.